The following is an entry in ClinVar:

ClinVar aggregate classification (germline): Uncertain significance (1 of 4 stars; one submission).

Allele frequency attached by ClinVar (database versions not stated): gnomAD exomes 0.00001; ExAC 0.00002; gnomAD 0.00002; TOPMed 0.00004; ESP Exome Variant Server 0.00008.
gnomAD v4.1: 8 of 1,613,518 alleles (0.0005%); highest among the groups gnomAD compares: Admixed American, 0.0083%; no homozygotes.

Submission:

Labcorp Genetics (formerly Invitae), Labcorp
Classification: Uncertain significance. Last evaluated: 2024-04-22. Review status: criteria provided, single submitter. Criteria: Invitae Variant Classification Sherloc (09022015). Collection method: clinical testing. Allele origin: germline.
Comment: This sequence change replaces glutamic acid, which is acidic and polar, with valine, which is neutral and non-polar, at codon 2434 of the VPS13A protein (p.Glu2434Val). This variant is present in population databases (rs374439196, gnomAD 0.01%). This variant has not been reported in the literature in individuals affected with VPS13A-related conditions. Advanced modeling of protein sequence and biophysical properties (such as structural, functional, and spatial information, amino acid conservation, physicochemical variation, residue mobility, and thermodynamic stability) performed at Invitae indicates that this missense variant is not expected to disrupt VPS13A protein function with a negative predictive value of 80%. Algorithms developed to predict the effect of sequence changes on RNA splicing suggest that this variant may disrupt the consensus splice site. In summary, the available evidence is currently insufficient to determine the role of this variant in disease. Therefore, it has been classified as a Variant of Uncertain Significance.

NM_033305.3(VPS13A):c.7301A>T (p.Glu2434Val)

Gene: VPS13A (vacuolar protein sorting 13 homolog A; plus strand). Cytogenetic location: 9q21.2.
Variant type: single nucleotide variant.
Coding change: c.7301A>T on transcript NM_033305.3 (MANE Select); coding-DNA position 7301, A replaced by T.
Protein change: p.Glu2434Val; replaces glutamic acid 2434 with valine.
Molecular consequence: missense variant.
Genome position (GRCh38, 1-based): chr9:77,351,328, A>T. VCF-style: chr9-77351328-A-T. GRCh37 (hg19) VCF-style: chr9-79966244-A-T.
Other names: c.7301A>T, p.Glu2434Val (NM_001018038.3, NM_015186.4); c.7184A>T, p.Glu2395Val (NM_001018037.2); short protein forms E2395V, E2434V.
Identifiers: ClinVar variation 2723597 (VCV002723597.3), dbSNP rs374439196, ClinGen allele CA5093300.